The following is an entry in ClinVar:

NM_001330700.2(TOP2B):c.4060A>G (p.Ile1354Val)

Gene: TOP2B (DNA topoisomerase II beta; minus strand). Cytogenetic location: 3p24.2.
Variant type: single nucleotide variant.
Coding change: c.4060A>G on transcript NM_001330700.2 (MANE Select); coding-DNA position 4060, A replaced by G.
Protein change: p.Ile1354Val; replaces isoleucine 1354 with valine.
Molecular consequence: missense variant.
Genome position (GRCh38, 1-based): chr3:25,609,216, T>C on the plus strand (A>G on the coding strand, the complement: TOP2B is on the minus strand). VCF-style: chr3-25609216-T-C. GRCh37 (hg19) VCF-style: chr3-25650707-T-C.
Other names: c.4045A>G, p.Ile1349Val (NM_001068.3); short protein forms I1354V, I1349V.
Identifiers: ClinVar variation 2702756 (VCV002702756.3), dbSNP rs561264666, ClinGen allele CA351893475.
Genomic context (GRCh38, chr3:25,609,216, plus strand): 5'-ACAGTAATATTAAATGTGTTACAATACCTGCTGCTCTCCTAAGCAAAGAATCTCTTGGAA[T>C]AACCACAGGTTCTGTTTCTTCCAAATCACTTTCTGACTTGGATTCATCATCTGACCAAGG-3'
Protein context (NP_001317629.1, residues 1344-1364): SDLEETEPVV[Ile1354Val]PRDSLLRRAA

ClinVar aggregate classification (germline): Uncertain significance (1 of 4 stars; one submission).

Submission:

Labcorp Genetics (formerly Invitae), Labcorp
Classification: Uncertain significance. Last evaluated: 2023-10-05. Review status: criteria provided, single submitter. Criteria: Invitae Variant Classification Sherloc (09022015). Collection method: clinical testing. Allele origin: germline.
Comment: This sequence change replaces isoleucine, which is neutral and non-polar, with valine, which is neutral and non-polar, at codon 1349 of the TOP2B protein (p.Ile1349Val). This variant is not present in population databases (gnomAD no frequency). This variant has not been reported in the literature in individuals affected with TOP2B-related conditions. An algorithm developed to predict the effect of missense changes on protein structure and function (PolyPhen-2) suggests that this variant is likely to be tolerated. In summary, the available evidence is currently insufficient to determine the role of this variant in disease. Therefore, it has been classified as a Variant of Uncertain Significance.